The following is an entry in ClinVar:

NM_052947.4(ALPK2):c.74A>G (p.Glu25Gly)

Gene: ALPK2 (alpha kinase 2; minus strand). Cytogenetic location: 18q21.32.
Variant type: single nucleotide variant.
Coding change: c.74A>G on transcript NM_052947.4 (MANE Select); coding-DNA position 74, A replaced by G.
Protein change: p.Glu25Gly; replaces glutamic acid 25 with glycine.
Molecular consequence: missense variant.
Genome position (GRCh38, 1-based): chr18:58,611,724, T>C on the plus strand (A>G on the coding strand, the complement: ALPK2 is on the minus strand). VCF-style: chr18-58611724-T-C. GRCh37 (hg19) VCF-style: chr18-56278956-T-C.
Other names: short protein forms E25G.
Identifiers: ClinVar variation 3289926 (VCV003289926.1).

ClinVar aggregate classification (germline): Uncertain significance (1 of 4 stars; one submission).

Submission:

Ambry Genetics
Classification: Uncertain significance. Last evaluated: 2024-03-31. Review status: criteria provided, single submitter. Criteria: Ambry Variant Classification Scheme 2023. Collection method: clinical testing. Allele origin: germline.
Comment: The p.E25G variant (also known as c.74A>G), located in coding exon 1 of the ALPK2 gene, results from an A to G substitution at nucleotide position 74. The glutamic acid at codon 25 is replaced by glycine, an amino acid with similar properties. This amino acid position is conserved. In addition, this alteration is predicted to be tolerated by in silico analysis. Based on the available evidence, the clinical significance of this alteration remains unclear.